The following is an entry in ClinVar:

ClinVar aggregate classification (germline): Uncertain significance (0 of 4 stars; one submission).

Conditions:
GNAS-related disorder. Identifiers: MedGen CN380105.

gnomAD v4.1: 2 of 1,612,310 alleles (0.00012%); highest among the groups gnomAD compares: Non-Finnish European, 0.00017%; no homozygotes.

Submission:

PreventionGenetics, part of Exact Sciences
Classification: Uncertain significance for GNAS-related condition. Last evaluated: 2024-07-23. Review status: no assertion criteria provided. Collection method: clinical testing. Allele origin: germline.
Comment: The GNAS c.512T>A variant is predicted to result in premature protein termination (p.Leu171*). In the canonical GNAS transcript this variant is located in a deep intronic region (NM_000516.7 c.-37763T>A). To our knowledge, this variant has not been reported in the literature. This variant is reported in 0.00092% of alleles in individuals of European (non-Finnish) descent in gnomAD. At this time, the clinical significance of this variant is uncertain due to the absence of conclusive functional and genetic evidence.

NM_080425.4(GNAS):c.699T>A (p.Phe233Leu)

Gene: GNAS (GNAS complex locus; plus strand). Cytogenetic location: 20q13.32.
Variant type: single nucleotide variant.
Coding change: c.699T>A on transcript NM_080425.4 (MANE Plus Clinical); coding-DNA position 699, T replaced by A.
Protein change: p.Phe233Leu; replaces phenylalanine 233 with leucine.
Molecular consequence: missense variant. On other transcripts: nonsense (2), intron variant (3).
Genome position (GRCh38, 1-based): chr20:58,853,964, T>A. VCF-style: chr20-58853964-T-A. GRCh37 (hg19) VCF-style: chr20-57429019-T-A.
Other names: c.512T>A, p.Leu171Ter (NM_001077490.3, NM_001309883.1); c.699T>A, p.Phe233Leu (NM_001410913.1); c.*42+13078T>A (NM_016592.5); c.43+13078T>A (NM_001410912.1); c.-39+12089T>A (NM_001309861.2); short protein forms F233L, L171*.
Identifiers: ClinVar variation 3355592 (VCV003355592.1).